The following is an entry in ClinVar:

ClinVar aggregate classification (germline): Uncertain significance (1 of 4 stars; one submission).

Conditions:
Frontotemporal dementia and/or amyotrophic lateral sclerosis 1 (FTDALS1). Also called: Frontotemporal dementia with motor neuron disease 1; C9orf72 Frontotemporal Dementia and/or Amyotrophic Lateral Sclerosis. Identifiers: Orphanet 275872, MedGen C5779877, MONDO:0007105, OMIM 105550.
Paget disease of bone 2, early-onset (PDB2). Also called: Paget disease of bone 2. Identifiers: MedGen C4085251, MONDO:0011183, OMIM 602080.

Allele frequency attached by ClinVar (database versions not stated): gnomAD exomes below 0.00001; TOPMed below 0.00001; ExAC 0.00001.
gnomAD v4.1: 2 of 1,614,210 alleles (0.00012%); highest among the groups gnomAD compares: Admixed American, 0.0017%; no homozygotes.

Submission:

Labcorp Genetics (formerly Invitae), Labcorp
Classification: Uncertain significance for Paget disease of bone 2, early-onset; Frontotemporal dementia and/or amyotrophic lateral sclerosis 1. Last evaluated: 2024-11-18. Review status: criteria provided, single submitter. Criteria: Invitae Variant Classification Sherloc (09022015). Collection method: clinical testing. Allele origin: germline.
Comment: This sequence change replaces proline, which is neutral and non-polar, with leucine, which is neutral and non-polar, at codon 286 of the SQSTM1 protein (p.Pro286Leu). This variant is present in population databases (rs754060027, gnomAD 0.003%). This variant has not been reported in the literature in individuals affected with SQSTM1-related conditions. ClinVar contains an entry for this variant (Variation ID: 948471). Invitae Evidence Modeling of protein sequence and biophysical properties (such as structural, functional, and spatial information, amino acid conservation, physicochemical variation, residue mobility, and thermodynamic stability) indicates that this missense variant is not expected to disrupt SQSTM1 protein function with a negative predictive value of 80%. In summary, the available evidence is currently insufficient to determine the role of this variant in disease. Therefore, it has been classified as a Variant of Uncertain Significance.

NM_003900.5(SQSTM1):c.857C>T (p.Pro286Leu)

Gene: SQSTM1 (sequestosome 1; plus strand). Cytogenetic location: 5q35.3.
Variant type: single nucleotide variant.
Coding change: c.857C>T on transcript NM_003900.5 (MANE Select); coding-DNA position 857, C replaced by T.
Protein change: p.Pro286Leu; replaces proline 286 with leucine.
Molecular consequence: missense variant.
Genome position (GRCh38, 1-based): chr5:179,833,134, C>T. VCF-style: chr5-179833134-C-T. GRCh37 (hg19) VCF-style: chr5-179260134-C-T.
Other names: c.605C>T, p.Pro202Leu (NM_001142298.2, NM_001142299.2); short protein forms P202L, P286L.
Identifiers: ClinVar variation 948471 (VCV000948471.7), dbSNP rs754060027, ClinGen allele CA3600707.